The following is an entry in ClinVar:

ClinVar aggregate classification (germline): Likely pathogenic (1 of 4 stars; one submission).

Conditions:
Factor XIII, A subunit, deficiency of. Also called: Factor XIII subunit A deficiency. Identifiers: Orphanet 331, MedGen C2750514, MONDO:0013187, OMIM 613225, HP:0040233.

Submission:

ISTH-SSC Genomics in Thrombosis and Hemostasis, KU Leuven, Center for Molecular and Vascular Biology
Classification: Likely pathogenic for Factor XIII, A subunit, deficiency of. Review status: criteria provided, single submitter. Criteria: ACMG Guidelines, 2015. Collection method: clinical testing. Allele origin: germline. Affected: yes. Observed: 1 compound heterozygote.
Comment: Submitted to the GoldVariant database by Kathleen Freson, Center for Molecular and Vascular Biology

NM_000129.4(F13A1):c.1112+1G>A

Gene: F13A1 (coagulation factor XIII A chain; minus strand). Cytogenetic location: 6p25.1.
Variant type: single nucleotide variant.
Coding change: c.1112+1G>A on transcript NM_000129.4 (MANE Select); the canonical splice donor site of the intron after coding-DNA position 1112, G replaced by A.
Molecular consequence: splice donor variant.
Genome position (GRCh38, 1-based): chr6:6,222,032, C>T on the plus strand (G>A on the coding strand, the complement: F13A1 is on the minus strand). VCF-style: chr6-6222032-C-T. GRCh37 (hg19) VCF-style: chr6-6222265-C-T.
Identifiers: ClinVar variation 2572103 (VCV002572103.1), dbSNP rs1757202231, ClinGen allele CA362739520.